The following is an entry in ClinVar:

NM_001429.4(EP300):c.4307G>A (p.Trp1436Ter)

Gene: EP300 (E1A binding protein p300; plus strand). Cytogenetic location: 22q13.2.
Variant type: single nucleotide variant.
Coding change: c.4307G>A on transcript NM_001429.4 (MANE Select); coding-DNA position 4307, G replaced by A.
Protein change: p.Trp1436Ter; replaces tryptophan 1436 with a stop codon.
Molecular consequence: nonsense.
Genome position (GRCh38, 1-based): chr22:41,170,426, G>A. VCF-style: chr22-41170426-G-A. GRCh37 (hg19) VCF-style: chr22-41566430-G-A.
Other names: c.4229G>A, p.Trp1410Ter (NM_001362843.2); short protein forms W1410*, W1436*.
Identifiers: ClinVar variation 1254455 (VCV001254455.2), dbSNP rs893031937, ClinGen allele CA324553976.

ClinVar aggregate classification (germline): Pathogenic (1 of 4 stars; one submission).

Submission:

GeneDx
Classification: Pathogenic. Last evaluated: 2021-07-23. Review status: criteria provided, single submitter. Criteria: GeneDx Variant Classification Process June 2021. Collection method: clinical testing. Allele origin: germline. Affected: yes.
Comment: Nonsense variant predicted to result in protein truncation or nonsense mediated decay in a gene for which loss-of-function is a known mechanism of disease; Not observed at significant frequency in large population cohorts (Lek et al., 2016); Has not been previously published as pathogenic or benign to our knowledge